The following is an entry in ClinVar:

NM_000465.4(BARD1):c.2024del (p.Cys675fs)

Gene: BARD1 (BRCA1 associated RING domain 1; minus strand). Cytogenetic location: 2q35.
Variant type: Deletion.
Coding change: c.2024del on transcript NM_000465.4 (MANE Select); coding-DNA position 2024, one base deleted (G; older notation c.2024delG).
Protein change: p.Cys675fs; shifts the reading frame from cysteine 675.
Molecular consequence: frameshift variant. On other transcripts: non-coding transcript variant (3).
Genome position (GRCh38, 1-based): chr2:214,728,986, C deleted on the plus strand (G on the coding strand, the reverse complement: BARD1 is on the minus strand). VCF-style (leftmost placement, unchanged base first): chr2-214728985-GC-G. GRCh37 (hg19) VCF-style: chr2-215593709-GC-G.
Other names: c.1967del, p.Cys656fs (NM_001282543.2); c.671del, p.Cys224fs (NM_001282545.2); c.614del, p.Cys205fs (NM_001282548.2); c.485del, p.Cys162fs (NM_001282549.2); short protein forms C162fs, C656fs, C675fs, C224fs, C205fs.
Identifiers: ClinVar variation 1345377 (VCV001345377.11), dbSNP rs2105987971, ClinGen allele CA2573135123.

ClinVar aggregate classification (germline): Pathogenic/Likely pathogenic. Review status: criteria provided, multiple submitters, no conflicts (2 of 4 stars). 3 submissions from 3 submitters: Pathogenic (1); Likely pathogenic (2). Last evaluated 2023-05-25.

Conditions:
Familial cancer of breast. Also called: hereditary breast carcinoma; Hereditary breast cancer; BREAST CANCER, FAMILIAL. Identifiers: Orphanet 227535, MedGen C0346153, MONDO:0016419, OMIM 114480. Disease mechanism: loss of function.

Submissions (3):

Myriad Genetics, Inc.
Classification: Pathogenic for Familial cancer of breast. Last evaluated: 2023-05-25. Review status: criteria provided, single submitter. Criteria: Myriad Autosomal Dominant, Autosomal Recessive and X-Linked Classification Criteria (2023). Collection method: clinical testing. Allele origin: unknown.
Comment: This variant is considered pathogenic. This variant creates a frameshift predicted to result in premature protein truncation.

Baylor Genetics
Classification: Likely pathogenic for Familial cancer of breast. Last evaluated: 2023-03-19. Review status: criteria provided, single submitter. Criteria: ACMG Guidelines, 2015. Collection method: clinical testing. Allele origin: unknown.

Labcorp Genetics (formerly Invitae), Labcorp
Classification: Likely pathogenic for Familial cancer of breast. Last evaluated: 2020-11-15. Review status: criteria provided, single submitter. Criteria: Invitae Variant Classification Sherloc (09022015). Collection method: clinical testing. Allele origin: germline.
Comment: This variant disrupts part of the C-terminal BRCT domain of BARD1 protein, which is required for chromosome stability and homology-directed repair (PMID: 17848578). A different variant (p.Val767fs) that lies downstream of this variant has been reported to affect BARD1 protein function (PMID: 30925164), this suggests that disruption of this region of the protein is causative of disease. In summary, the currently available evidence indicates that the variant is pathogenic, but additional data are needed to prove that conclusively. Therefore, this variant has been classified as Likely Pathogenic. This variant has not been reported in the literature in individuals with BARD1-related conditions. This variant is not present in population databases (ExAC no frequency). This sequence change creates a premature translational stop signal (p.Cys675Serfs*39) in the BARD1 gene. While this is not anticipated to result in nonsense mediated decay, it is expected to disrupt the last 103 amino acid(s) of the BARD1 protein.

Literature cited by the submitters: PubMed 17848578 (cited by Labcorp Genetics (formerly Invitae), Labcorp); PubMed 30925164 (cited by Labcorp Genetics (formerly Invitae), Labcorp).